The following is an entry in ClinVar:

NM_001374736.1(DST):c.21826G>A (p.Glu7276Lys)

Gene: DST (dystonin; minus strand). Cytogenetic location: 6p12.1.
Variant type: single nucleotide variant.
Coding change: c.21826G>A on transcript NM_001374736.1 (MANE Select); coding-DNA position 21826, G replaced by A.
Protein change: p.Glu7276Lys; replaces glutamic acid 7276 with lysine.
Molecular consequence: missense variant.
Genome position (GRCh38, 1-based): chr6:56,476,187, C>T on the plus strand (G>A on the coding strand, the complement: DST is on the minus strand). VCF-style: chr6-56476187-C-T. GRCh37 (hg19) VCF-style: chr6-56340985-C-T.
Other names: c.15469G>A, p.Glu5157Lys (NM_001144769.5); c.15055G>A, p.Glu5019Lys (NM_001144770.2); c.21826G>A, p.Glu7276Lys (NM_001374722.1); c.20866G>A, p.Glu6956Lys (NM_001374729.1); c.14608G>A, p.Glu4870Lys (NM_001374730.1); c.21853G>A, p.Glu7285Lys (NM_001374734.1); c.14935G>A, p.Glu4979Lys (NM_001386100.1, NM_183380.4); c.13957G>A, p.Glu4653Lys (NM_015548.5); short protein forms E4870K, E7276K, E4979K, E6956K, E5157K, E7285K, E4653K, E5019K.
Identifiers: ClinVar variation 1774929 (VCV001774929.2), dbSNP rs2095181281, ClinGen allele CA364510145.

ClinVar aggregate classification (germline): Uncertain significance (1 of 4 stars; one submission).

Conditions:
Inborn genetic diseases. Identifiers: MedGen C0950123, MeSH D030342.

Allele frequency attached by ClinVar (database versions not stated): gnomAD exomes 0.00001.
gnomAD v4.1: 7 of 1,613,030 alleles (0.00043%); highest among the groups gnomAD compares: Non-Finnish European, 0.00059%; no homozygotes.

Submission:

Ambry Genetics
Classification: Uncertain significance for Inborn genetic diseases. Last evaluated: 2022-01-10. Review status: criteria provided, single submitter. Criteria: Ambry Variant Classification Scheme 2023. Collection method: clinical testing. Allele origin: germline.
Comment: The p.E5157K variant (also known as c.15469G>A), located in coding exon 86 of the DST gene, results from a G to A substitution at nucleotide position 15469. The glutamic acid at codon 5157 is replaced by lysine, an amino acid with similar properties. This amino acid position is well conserved in available vertebrate species. In addition, the in silico prediction for this alteration is inconclusive. Since supporting evidence is limited at this time, the clinical significance of this alteration remains unclear.